The following is an entry in ClinVar:

ClinVar aggregate classification (germline): Uncertain significance (1 of 4 stars; one submission).

Conditions:
Familial thoracic aortic aneurysm and aortic dissection (TAAD). Also called: Thoracic aortic aneurysms and dissections. Identifiers: Orphanet 91387, MedGen C4707243, MONDO:0019625.

Allele frequency attached by ClinVar (database versions not stated): gnomAD 0.00001; 1000 Genomes Project 30x 0.00016; 1000 Genomes Project 0.00020.
gnomAD v4.1: 4 of 1,613,722 alleles (0.00025%); highest among the groups gnomAD compares: East Asian, 0.0022%; no homozygotes.

Submission:

Ambry Genetics
Classification: Uncertain significance for Familial thoracic aortic aneurysm and aortic dissection. Last evaluated: 2021-03-26. Review status: criteria provided, single submitter. Criteria: Ambry Variant Classification Scheme 2023. Collection method: clinical testing. Allele origin: germline.
Comment: The p.M2799V variant (also known as c.8395A>G), located in coding exon 65 of the FBN2 gene, results from an A to G substitution at nucleotide position 8395. The methionine at codon 2799 is replaced by valine, an amino acid with highly similar properties. This amino acid position is not well conserved in available vertebrate species. In addition, this alteration is predicted to be tolerated by in silico analysis. Since supporting evidence is limited at this time, the clinical significance of this alteration remains unclear.

NM_001999.4(FBN2):c.8395A>G (p.Met2799Val)

Gene: FBN2 (fibrillin 2; minus strand). Cytogenetic location: 5q23.3.
Variant type: single nucleotide variant.
Coding change: c.8395A>G on transcript NM_001999.4 (MANE Select); coding-DNA position 8395, A replaced by G.
Protein change: p.Met2799Val; replaces methionine 2799 with valine.
Molecular consequence: missense variant.
Genome position (GRCh38, 1-based): chr5:128,259,799, T>C on the plus strand (A>G on the coding strand, the complement: FBN2 is on the minus strand). VCF-style: chr5-128259799-T-C. GRCh37 (hg19) VCF-style: chr5-127595491-T-C.
Other names: short protein forms M2799V.
Identifiers: ClinVar variation 1763198 (VCV001763198.2), dbSNP rs534375056, ClinGen allele CA127002227.